The following is an entry in ClinVar:

NM_001171.6(ABCC6):c.-2C>T

Gene: ABCC6 (ATP binding cassette subfamily C member 6; minus strand). Cytogenetic location: 16p13.11.
Variant type: single nucleotide variant.
Coding change: c.-2C>T on transcript NM_001171.6 (MANE Select); 2 bases upstream of the start codon, C replaced by T.
Molecular consequence: 5 prime UTR variant. On other transcripts: non-coding transcript variant (4).
Genome position (GRCh38, 1-based): chr16:16,223,436, G>A on the plus strand (C>T on the coding strand, the complement: ABCC6 is on the minus strand). VCF-style: chr16-16223436-G-A. GRCh37 (hg19) VCF-style: chr16-16317293-G-A.
Other names: c.-2C>T (NM_001079528.4, NM_001440309.1, NM_001440310.1); c.-375C>T (NM_001351800.1).
Identifiers: ClinVar variation 4997252 (VCV004997252.1).

ClinVar aggregate classification (germline): Uncertain significance (1 of 4 stars; one submission).

Conditions:
ABCC6-related disorder. Also called: ABCC6-related condition.

Submission:

PreventionGenetics, part of Exact Sciences
Classification: Uncertain significance for ABCC6-related condition. Last evaluated: 2024-10-30. Review status: criteria provided, single submitter. Criteria: ACMG Guidelines, 2015. Collection method: clinical testing. Allele origin: germline.
Comment: The ABCC6 c.-2C>T variant is located in the 5' untranslated region. To our knowledge, this variant has not been reported in the literature or in a large population database (gnomAD), indicating this variant is rare. At this time, the clinical significance of this variant is uncertain due to the absence of conclusive functional and genetic evidence.